The following is an entry in ClinVar:

NM_004991.4(MECOM):c.1392G>A (p.Pro464=)

Gene: MECOM (MDS1 and EVI1 complex locus; minus strand). Cytogenetic location: 3q26.2.
Variant type: single nucleotide variant.
Coding change: c.1392G>A on transcript NM_004991.4 (MANE Select); coding-DNA position 1392, G replaced by A.
Protein change: p.Pro464=; no amino-acid change (proline 464 retained).
Molecular consequence: synonymous variant. On other transcripts: intron variant (2).
Genome position (GRCh38, 1-based): chr3:169,116,480, C>T on the plus strand (G>A on the coding strand, the complement: MECOM is on the minus strand). VCF-style: chr3-169116480-C-T. GRCh37 (hg19) VCF-style: chr3-168834268-C-T.
Other names: c.1392G>A (NM_004991.3); c.1023G>A, p.Pro341= (NM_001105077.4); c.828G>A, p.Pro276= (NM_001105078.4, NM_001164000.2, NM_001205194.2 and 4 more transcripts); c.831G>A, p.Pro277= (NM_001163999.2, NM_001366467.2, NM_001366468.2 and 1 more transcripts); c.1392G>A, p.Pro464= (NM_001366466.2); c.1133-713G>A (NM_001366473.2); c.569-713G>A (NM_001366474.2).
Identifiers: ClinVar variation 2067643 (VCV002067643.10), dbSNP rs73029150, ClinGen allele CA2696344.

ClinVar aggregate classification (germline): Benign/Likely benign. Review status: criteria provided, multiple submitters, no conflicts (2 of 4 stars). 5 submissions from 5 submitters: Benign (1); Likely benign (2). 2 of the submissions do not count toward it. Last evaluated 2025-11-01.

Conditions:
Inborn genetic diseases. Identifiers: MedGen C0950123, MeSH D030342.
MECOM-related disorder. Also called: MECOM-related condition.

Allele frequency attached by ClinVar (database versions not stated): ExAC 0.00035; 1000 Genomes Project 0.00120; gnomAD 0.00131; 1000 Genomes Project 30x 0.00172; ESP Exome Variant Server 0.00177.

Submissions (5):

Labcorp Genetics (formerly Invitae), Labcorp
Classification: Benign. Last evaluated: 2025-11-01. Review status: criteria provided, single submitter. Criteria: Invitae Variant Classification Sherloc (09022015). Collection method: clinical testing. Allele origin: germline.

Ambry Genetics
Classification: Likely benign for Inborn genetic diseases. Last evaluated: 2024-10-05. Review status: criteria provided, single submitter. Criteria: Ambry Variant Classification Scheme 2023. Collection method: clinical testing. Allele origin: germline.

Blueprint Genetics
Classification: Likely benign. Last evaluated: 2024-09-13. Review status: criteria provided, single submitter. Criteria: ACMG Guidelines, 2015. Collection method: clinical testing. Allele origin: germline.

Genetic Services Laboratory, University of Chicago
Classification: Likely benign. Last evaluated: 2022-10-19. Review status: no assertion criteria provided. Collection method: clinical testing. Allele origin: germline. Affected: no. Not counted in ClinVar's aggregate classification.

PreventionGenetics, part of Exact Sciences
Classification: Benign for MECOM-related condition. Last evaluated: 2020-01-28. Review status: no assertion criteria provided. Collection method: clinical testing. Allele origin: germline. Not counted in ClinVar's aggregate classification.
Comment: This variant is classified as benign based on ACMG/AMP sequence variant interpretation guidelines (Richards et al. 2015 PMID: 25741868, with internal and published modifications).